The following is an entry in ClinVar:

ClinVar aggregate classification (germline): Benign. Review status: criteria provided, multiple submitters, no conflicts (2 of 4 stars). 2 submissions from 2 submitters: Benign (2). Last evaluated 2018-01-13.

Conditions:
Sorsby fundus dystrophy (SFD). Also called: MACULAR DYSTROPHY, HEMORRHAGIC; Sorsby fundus dystrophy, Lavia type; FUNDUS DYSTROPHY, PSEUDOINFLAMMATORY, OF SORSBY. Identifiers: Orphanet 59181, MedGen C1850938, MONDO:0007640, OMIM 136900.

Allele frequency attached by ClinVar (database versions not stated): 1000 Genomes Project 0.01478; 1000 Genomes Project 30x 0.01499; gnomAD 0.01593 and 0.01617; TOPMed 0.01736.

Submissions (2):

Illumina Laboratory Services, Illumina
Classification: Benign for Sorsby fundus dystrophy. Last evaluated: 2018-01-13. Review status: criteria provided, single submitter. Criteria: ICSL Variant Classification Criteria 13 December 2019. Collection method: clinical testing. Allele origin: germline.
Comment: This variant was observed in the ICSL laboratory as part of a predisposition screen in an ostensibly healthy population. It had not been previously curated by ICSL or reported in the Human Gene Mutation Database (HGMD: prior to June 1st, 2018), and was therefore a candidate for classification through an automated scoring system. Utilizing variant allele frequency, disease prevalence and penetrance estimates, and inheritance mode, an automated score was calculated to assess if this variant is too frequent to cause the disease. Based on the score and internal cut-off values, a variant classified as benign is not then subjected to further curation. The score for this variant resulted in a classification of benign for this disease.

Breakthrough Genomics
Classification: Benign. Review status: criteria provided, single submitter. Criteria: ACMG Guidelines, 2015. Collection method: not provided. Allele origin: germline. Inheritance: Autosomal dominant inheritance. Affected: yes.

NM_000362.5(TIMP3):c.*2544G>A

Genes: SYN3 (synapsin III; minus strand), TIMP3 (TIMP metallopeptidase inhibitor 3; plus strand). Cytogenetic location: 22q12.3.
Variant type: single nucleotide variant.
Coding change: c.*2544G>A on transcript NM_000362.5 (MANE Select); 2544 bases downstream of the stop codon, G replaced by A.
Molecular consequence: 3 prime UTR variant. On other transcripts: intron variant (7).
Genome position (GRCh38, 1-based): chr22:32,861,921, G>A. VCF-style: chr22-32861921-G-A. GRCh37 (hg19) VCF-style: chr22-33257908-G-A.
Other names: c.708+2994C>T (NM_001369909.1, NM_001135774.2, NM_001369910.1); c.711+2994C>T (NM_001369907.1, NM_003490.4, NM_001369908.1 and 1 more transcripts).
Identifiers: ClinVar variation 341390 (VCV000341390.6), dbSNP rs115010560, ClinGen allele CA10651189.